The following is an entry in ClinVar:

ClinVar aggregate classification (germline): Conflicting classifications of pathogenicity. Review status: criteria provided, conflicting classifications (1 of 4 stars). 9 submissions from 8 submitters: Likely pathogenic (1); Uncertain significance (2); Benign (1); Likely benign (3). 2 of the submissions do not count toward it. Last evaluated 2026-06-16.

Conditions:
Schizophrenia 4 (SCZD4). Also called: SCHIZOPHRENIA SUSCEPTIBILITY LOCUS, CHROMOSOME 22q11-RELATED; SCHIZOPHRENIA, SUSCEPTIBILITY TO, 4. Identifiers: MedGen C1833247, MONDO:0010943, OMIM 600850.
Proline dehydrogenase deficiency (HYRPRO1). Also called: Hyperprolinemia type 1; PROLINE OXIDASE DEFICIENCY. Identifiers: Orphanet 419, MedGen C0268529, MONDO:0009400, OMIM 239500.

Allele frequency attached by ClinVar (database versions not stated): gnomAD 0.00314 and 0.00376; gnomAD exomes 0.00463 and 0.00479; ExAC 0.00566; 1000 Genomes Project 30x 0.00765.
gnomAD v4.1: 1,033 of 221,040 alleles (0.47%); highest among the groups gnomAD compares: East Asian, 1.7%; 27 homozygotes.

Submissions (9):

Women's Health and Genetics/Laboratory Corporation of America, LabCorp
Classification: Likely benign. Last evaluated: 2026-06-16. Review status: criteria provided, single submitter. Criteria: LabCorp Variant Classification Summary - May 2015. Collection method: clinical testing. Allele origin: germline.
Comment: Variant summary: PRODH c.1397C>T (p.Thr466Met) results in a non-conservative amino acid change in the encoded protein sequence. Algorithms developed to predict the effect of missense changes on protein structure and function are either unavailable or do not agree on the potential impact of this missense change. The variant allele was found at a frequency of 0.0046 in 250538 control chromosomes, predominantly at a frequency of 0.014 within the East Asian subpopulation in the gnomAD database, including 2 homozygotes. The observed variant frequency within East Asian control individuals in the gnomAD database exceeds the estimated maximal expected allele frequency for disease-causing variants in PRODH. c.1397C>T has been observed in at least one individual affected with PRODH-related conditions (Cherot_2018). These data do not allow any conclusion about variant significance. At least one publication reports experimental evidence evaluating an impact on protein function (Bender_2005). The most pronounced variant effect results in about 20% of normal activity. The following publications have been ascertained in the context of this evaluation (PMID: 15662599, 28708303). ClinVar contains an entry for this variant (Variation ID: 4013). Based on the evidence outlined above, the variant was classified as likely benign.

Labcorp Genetics (formerly Invitae), Labcorp
Classification: Likely benign for Proline dehydrogenase deficiency. Last evaluated: 2026-01-20. Review status: criteria provided, single submitter. Criteria: Invitae Variant Classification Sherloc (09022015). Collection method: clinical testing. Allele origin: germline.

Blueprint Genetics
Classification: Uncertain significance. Last evaluated: 2024-11-19. Review status: criteria provided, single submitter. Criteria: ACMG Guidelines, 2015. Collection method: clinical testing. Allele origin: germline.

CeGaT Center for Human Genetics Tuebingen
Classification: Benign. Last evaluated: 2024-01-01. Review status: criteria provided, single submitter. Criteria: CeGaT Center For Human Genetics Tuebingen Variant Classification Criteria Version 2. Collection method: clinical testing. Allele origin: germline. Affected: yes. Observed: 2 variant alleles.
Comment: PRODH: BS1, BS2

Department of Pathology and Laboratory Medicine, Sinai Health System
Classification: Uncertain significance for Proline dehydrogenase deficiency; Schizophrenia 4. Last evaluated: 2023-06-20. Review status: criteria provided, single submitter. Criteria: ACMG Guidelines, 2015. Collection method: research. Allele origin: germline.

GeneDx
Classification: Likely benign. Last evaluated: 2020-07-15. Review status: criteria provided, single submitter. Criteria: GeneDx Variant Classification Process June 2021. Collection method: clinical testing. Allele origin: germline. Affected: yes.
Comment: See Variant Classification Assertion Criteria.

Groupe Hospitalier Pitie Salpetriere, Uf Genomique Du Developpement, Assistance Publique Hopitaux de Paris Sorbonne Université
Classification: Likely pathogenic for Hyperprolinemia, type I. Last evaluated: 2017-01-06. Review status: criteria provided, single submitter. Criteria: ACMG Guidelines, 2015. Collection method: clinical testing. Allele origin: paternal. Affected: yes. Observed: 1 variant allele.
Comment: Intellectual disability; epilepsy; schizophrenia

OMIM
Classification: Pathogenic for HYPERPROLINEMIA, TYPE I. Last evaluated: 2007-10-01. Review status: no assertion criteria provided. Collection method: literature only. Allele origin: germline. Not counted in ClinVar's aggregate classification.

OMIM
Classification: risk factor for SCHIZOPHRENIA, SUSCEPTIBILITY TO, 4. Last evaluated: 2007-10-01. Review status: no assertion criteria provided. Collection method: literature only. Allele origin: germline. Not counted in ClinVar's aggregate classification.

Literature cited by the submitters: PubMed 28708303 (cited by Women's Health and Genetics/Laboratory Corporation of America, LabCorp and Groupe Hospitalier Pitie Salpetriere, Uf Genomique Du Developpement, Assistance Publique Hopitaux de Paris Sorbonne Université); PubMed 15662599 (cited by Women's Health and Genetics/Laboratory Corporation of America, LabCorp and OMIM); PubMed 11891283 (cited by OMIM); PubMed 17412540 (cited by OMIM).

NM_016335.6(PRODH):c.1397C>T (p.Thr466Met)

Gene: PRODH (proline dehydrogenase 1; minus strand). Cytogenetic location: 22q11.21.
Variant type: single nucleotide variant.
Coding change: c.1397C>T on transcript NM_016335.6 (MANE Select); coding-DNA position 1397, C replaced by T.
Protein change: p.Thr466Met; replaces threonine 466 with methionine.
Molecular consequence: missense variant.
Genome position (GRCh38, 1-based): chr22:18,918,346, G>A on the plus strand (C>T on the coding strand, the complement: PRODH is on the minus strand). VCF-style: chr22-18918346-G-A. GRCh37 (hg19) VCF-style: chr22-18905859-G-A.
Other names: c.1073C>T, p.Thr358Met (NM_001195226.2); short protein forms T466M, T358M.
Identifiers: ClinVar variation 4013 (VCV000004013.45), dbSNP rs2870984, ClinGen allele CA116582.